The following is an entry in ClinVar:

ClinVar aggregate classification (germline): Pathogenic (1 of 4 stars; one submission).

Conditions:
Familial adenomatous polyposis 1 (FAP1). Also called: FAMILIAL ADENOMATOUS POLYPOSIS 1, ATTENUATED; POLYPOSIS, ADENOMATOUS INTESTINAL. Identifiers: MedGen C2713442, MONDO:0021056, OMIM 175100. Disease mechanism: loss of function.

Submission:

Myriad Genetics, Inc.
Classification: Pathogenic for Familial adenomatous polyposis 1. Last evaluated: 2023-05-08. Review status: criteria provided, single submitter. Criteria: Myriad Autosomal Dominant, Autosomal Recessive and X-Linked Classification Criteria (2023). Collection method: clinical testing. Allele origin: unknown.
Comment: This variant is considered pathogenic. This variant creates a frameshift predicted to result in premature protein truncation.

NM_000038.6(APC):c.3446_3453del (p.Glu1149fs)

Gene: APC (APC regulator of Wnt signaling pathway; plus strand). Cytogenetic location: 5q22.2.
Variant type: Deletion.
Coding change: c.3446_3453del on transcript NM_000038.6 (MANE Select); coding-DNA positions 3446 to 3453, 8 bases deleted (AAGAAGAA; older notation c.3446_3453delAAGAAGAA).
Protein change: p.Glu1149fs; shifts the reading frame from glutamic acid 1149.
Molecular consequence: frameshift variant. On other transcripts: non-coding transcript variant (2).
Genome position (GRCh38, 1-based): chr5:112,839,040-112,839,047, AAGAAGAA deleted. VCF-style (leftmost placement, unchanged base first): chr5-112839039-GAAGAAGAA-G. GRCh37 (hg19) VCF-style: chr5-112174736-GAAGAAGAA-G.
Other names: c.3371_3378del, p.Glu1124fs (NM_001354898.2); c.3362_3369del, p.Glu1121fs (NM_001354899.2); c.3173_3180del, p.Glu1058fs (NM_001354902.2); c.3143_3150del, p.Glu1048fs (NM_001354903.2, NM_001407458.1, NM_001407459.1 and 1 more transcripts); c.3323_3330del, p.Glu1108fs (NM_001354900.2); c.3269_3276del, p.Glu1090fs (NM_001354901.2, NM_001407453.1); c.3068_3075del, p.Glu1023fs (NM_001354904.2); c.2966_2973del, p.Glu989fs (NM_001354905.2); and 11 more; short protein forms E1020fs, E1023fs, E1048fs, E1058fs, E1066fs, E1090fs, E1108fs, E1121fs.
Identifiers: ClinVar variation 2584192 (VCV002584192.2), dbSNP rs2533498805, ClinGen allele CA1139770789.